The following is an entry in ClinVar:

ClinVar aggregate classification (germline): Uncertain significance (1 of 4 stars; one submission).

Submission:

Ambry Genetics
Classification: Uncertain significance. Last evaluated: 2024-01-01. Review status: criteria provided, single submitter. Criteria: Ambry Variant Classification Scheme 2023. Collection method: clinical testing. Allele origin: germline.
Comment: The p.A294E variant (also known as c.881C>A), located in coding exon 6 of the BUB3 gene, results from a C to A substitution at nucleotide position 881. The alanine at codon 294 is replaced by glutamic acid, an amino acid with dissimilar properties. This amino acid position is conserved. In addition, this alteration is predicted to be deleterious by in silico analysis. Since supporting evidence is limited at this time, the clinical significance of this alteration remains unclear.

NM_004725.4(BUB3):c.881C>A (p.Ala294Glu)

Gene: BUB3 (BUB3 mitotic checkpoint protein; plus strand). Cytogenetic location: 10q26.13.
Variant type: single nucleotide variant.
Coding change: c.881C>A on transcript NM_004725.4 (MANE Select); coding-DNA position 881, C replaced by A.
Protein change: p.Ala294Glu; replaces alanine 294 with glutamic acid.
Molecular consequence: missense variant.
Genome position (GRCh38, 1-based): chr10:123,162,738, C>A. VCF-style: chr10-123162738-C-A. GRCh37 (hg19) VCF-style: chr10-124922254-C-A.
Other names: c.881C>A, p.Ala294Glu (NM_001007793.3); short protein forms A294E.
Identifiers: ClinVar variation 3224525 (VCV003224525.1), dbSNP rs750814689, ClinGen allele CA378627117.